The following is an entry in ClinVar:

NM_006517.5(SLC16A2):c.82dup (p.Ser28fs)

Gene: SLC16A2 (solute carrier family 16 member 2; plus strand). Cytogenetic location: Xq13.2.
Variant type: Duplication.
Coding change: c.82dup on transcript NM_006517.5 (MANE Select); coding-DNA position 82, one base duplicated (A; older notation c.82dupA).
Protein change: p.Ser28fs; shifts the reading frame from serine 28.
Molecular consequence: frameshift variant.
Genome position (GRCh38, 1-based): chrX:74,421,719, A duplicated. VCF-style (leftmost placement, unchanged base first): chrX-74421718-T-TA. GRCh37 (hg19) VCF-style: chrX-73641553-T-TA.
Other names: short protein forms S28fs.
Identifiers: ClinVar variation 3345565 (VCV003345565.1).

ClinVar aggregate classification (germline): Likely pathogenic (0 of 4 stars; one submission).

Conditions:
SLC16A2-related disorder. Also called: SLC16A2-related condition.

Submission:

PreventionGenetics, part of Exact Sciences
Classification: Likely pathogenic for SLC16A2-related condition. Last evaluated: 2024-05-27. Review status: no assertion criteria provided. Collection method: clinical testing. Allele origin: germline.
Comment: The SLC16A2 c.82dupA variant is predicted to result in a frameshift and premature protein termination (p.Ser28Lysfs*7). To our knowledge, this variant has not been reported in the literature or in a large population database, indicating this variant is rare. The frame-shift variants in this gene is expected to be pathogenic. This variant is interpreted as likely pathogenic.